The following is an entry in ClinVar:

NC_000002.12:g.121530881A>G

Genes: CLASP1 (cytoplasmic linker associated protein 1; minus strand), CLASP1-AS1 (CLASP1 antisense RNA 1; plus strand), RNU4ATAC (RNA, U4atac small nuclear; plus strand). Cytogenetic location: 2q14.2.
Variant type: single nucleotide variant.
Molecular consequence: intron variant (on NM_001395891.1).
Genome position: GRCh38 VCF-style: chr2-121530881-A-G. GRCh37 (hg19) VCF-style: chr2-122288457-A-G.
Other names: c.196-556T>C (NM_001142274.2, NM_015282.3, NM_001378003.1 and 5 more transcripts).
Identifiers: ClinVar variation 1350450 (VCV001350450.3), dbSNP rs1339722202, ClinGen allele CA428887752.

ClinVar aggregate classification (germline): Uncertain significance (1 of 4 stars; one submission).

Allele frequency attached by ClinVar (database versions not stated): gnomAD exomes 0.00002.
gnomAD v4.1: 11 of 692,068 alleles (0.0016%); highest among the groups gnomAD compares: Admixed American, 0.0061%; no homozygotes.

Submission:

Labcorp Genetics (formerly Invitae), Labcorp
Classification: Uncertain significance. Last evaluated: 2021-11-01. Review status: criteria provided, single submitter. Criteria: Invitae Variant Classification Sherloc (09022015). Collection method: clinical testing. Allele origin: germline.
Comment: This variant occurs in the RNU4ATAC gene, which encodes an RNA molecule that does not result in a protein product. This variant is present in population databases (no rsID available, gnomAD 0.01%). This variant has not been reported in the literature in individuals affected with RNU4ATAC-related conditions. Experimental studies and prediction algorithms are not available or were not evaluated, and the functional significance of this variant is currently unknown. In summary, the available evidence is currently insufficient to determine the role of this variant in disease. Therefore, it has been classified as a Variant of Uncertain Significance.